The following is an entry in ClinVar:

ClinVar aggregate classification (germline): Likely benign (0 of 4 stars; one submission).

Conditions:
ISL1-related disorder. Also called: ISL1-related condition.

Submission:

PreventionGenetics, part of Exact Sciences
Classification: Likely benign for ISL1-related condition. Last evaluated: 2022-03-07. Review status: no assertion criteria provided. Collection method: clinical testing. Allele origin: germline.
Comment: This variant is classified as likely benign based on ACMG/AMP sequence variant interpretation guidelines (Richards et al. 2015 PMID: 25741868, with internal and published modifications).

NM_002202.3(ISL1):c.766-5C>G

Gene: ISL1 (ISL LIM homeobox 1; plus strand). Cytogenetic location: 5q11.1.
Variant type: single nucleotide variant.
Coding change: c.766-5C>G on transcript NM_002202.3 (MANE Select); 5 bases into the intron before coding-DNA position 766, C replaced by G.
Molecular consequence: intron variant.
Genome position (GRCh38, 1-based): chr5:51,391,269, C>G. VCF-style: chr5-51391269-C-G. GRCh37 (hg19) VCF-style: chr5-50687103-C-G.
Identifiers: ClinVar variation 3355405 (VCV003355405.1).